The following is an entry in ClinVar:

NM_001170700.3(DTHD1):c.2234A>G (p.Tyr745Cys)

Gene: DTHD1 (death domain containing 1; plus strand). Cytogenetic location: 4p14.
Variant type: single nucleotide variant.
Coding change: c.2234A>G on transcript NM_001170700.3 (MANE Select); coding-DNA position 2234, A replaced by G.
Protein change: p.Tyr745Cys; replaces tyrosine 745 with cysteine.
Molecular consequence: missense variant. On other transcripts: non-coding transcript variant (2).
Genome position (GRCh38, 1-based): chr4:36,316,380, A>G. VCF-style: chr4-36316380-A-G. GRCh37 (hg19) VCF-style: chr4-36318002-A-G.
Other names: c.1364A>G, p.Tyr455Cys (NM_001136536.5); c.1301A>G, p.Tyr434Cys (NM_001378435.1); short protein forms Y434C, Y455C, Y745C.
Identifiers: ClinVar variation 1519011 (VCV001519011.8), dbSNP rs1757734629, ClinGen allele CA356681611.

ClinVar aggregate classification (germline): Uncertain significance (1 of 4 stars; one submission).

Allele frequency attached by ClinVar (database versions not stated): gnomAD exomes below 0.00001.
gnomAD v4.1: 1 of 1,552,204 alleles (0.000064%); highest among the groups gnomAD compares: Non-Finnish European, 0.000087%; no homozygotes.

Submission:

Labcorp Genetics (formerly Invitae), Labcorp
Classification: Uncertain significance. Last evaluated: 2021-04-06. Review status: criteria provided, single submitter. Criteria: Invitae Variant Classification Sherloc (09022015). Collection method: clinical testing. Allele origin: germline.
Comment: This variant has not been reported in the literature in individuals with DTHD1-related conditions. In summary, the available evidence is currently insufficient to determine the role of this variant in disease. Therefore, it has been classified as a Variant of Uncertain Significance. Algorithms developed to predict the effect of missense changes on protein structure and function (SIFT, PolyPhen-2, Align-GVGD) all suggest that this variant is likely to be disruptive, but these predictions have not been confirmed by published functional studies and their clinical significance is uncertain. This variant is not present in population databases (ExAC no frequency). This sequence change replaces tyrosine with cysteine at codon 455 of the DTHD1 protein (p.Tyr455Cys). The tyrosine residue is highly conserved and there is a large physicochemical difference between tyrosine and cysteine.